The following is an entry in ClinVar:

NM_001349.4(DARS1):c.682A>G (p.Ser228Gly)

Gene: DARS1 (aspartyl-tRNA synthetase 1; minus strand). Cytogenetic location: 2q21.3.
Variant type: single nucleotide variant.
Coding change: c.682A>G on transcript NM_001349.4 (MANE Select); coding-DNA position 682, A replaced by G.
Protein change: p.Ser228Gly; replaces serine 228 with glycine.
Molecular consequence: missense variant.
Genome position (GRCh38, 1-based): chr2:135,922,913, T>C on the plus strand (A>G on the coding strand, the complement: DARS1 is on the minus strand). VCF-style: chr2-135922913-T-C. GRCh37 (hg19) VCF-style: chr2-136680483-T-C.
Other names: c.382A>G, p.Ser128Gly (NM_001293312.1); short protein forms S228G, S128G.
Identifiers: ClinVar variation 3712326 (VCV003712326.2).

ClinVar aggregate classification (germline): Uncertain significance (1 of 4 stars; one submission).

gnomAD v4.1: 2 of 1,544,182 alleles (0.00013%); highest among the groups gnomAD compares: African/African-American, 0.0014%; no homozygotes.

Submission:

Labcorp Genetics (formerly Invitae), Labcorp
Classification: Uncertain significance. Last evaluated: 2025-02-14. Review status: criteria provided, single submitter. Criteria: Invitae Variant Classification Sherloc (09022015). Collection method: clinical testing. Allele origin: germline.
Comment: This sequence change replaces serine, which is neutral and polar, with glycine, which is neutral and non-polar, at codon 228 of the DARS protein (p.Ser228Gly). This variant is not present in population databases (gnomAD no frequency). This variant has not been reported in the literature in individuals affected with DARS-related conditions. Invitae Evidence Modeling of protein sequence and biophysical properties (such as structural, functional, and spatial information, amino acid conservation, physicochemical variation, residue mobility, and thermodynamic stability) has been performed for this missense variant. However, the output from this modeling did not meet the statistical confidence thresholds required to predict the impact of this variant on DARS protein function. In summary, the available evidence is currently insufficient to determine the role of this variant in disease. Therefore, it has been classified as a Variant of Uncertain Significance.